The following is an entry in ClinVar:

ClinVar aggregate classification (germline): Likely benign (1 of 4 stars; one submission).

Conditions:
Familial adenomatous polyposis 1 (FAP1). Also called: POLYPOSIS, ADENOMATOUS INTESTINAL; FAMILIAL ADENOMATOUS POLYPOSIS 1, ATTENUATED. Identifiers: MedGen C2713442, MONDO:0021056, OMIM 175100. Disease mechanism: loss of function.

Submission:

Myriad Genetics, Inc.
Classification: Likely benign for Familial adenomatous polyposis 1. Last evaluated: 2024-02-27. Review status: criteria provided, single submitter. Criteria: Myriad Autosomal Dominant, Autosomal Recessive and X-Linked Classification Criteria (2023). Collection method: clinical testing. Allele origin: unknown.
Comment: This variant is considered likely benign. This variant is intronic and is not expected to impact mRNA splicing.

NM_000038.6(APC):c.834+8A>C

Gene: APC (APC regulator of Wnt signaling pathway; plus strand). Cytogenetic location: 5q22.2.
Variant type: single nucleotide variant.
Coding change: c.834+8A>C on transcript NM_000038.6 (MANE Select); 8 bases into the intron after coding-DNA position 834, A replaced by C.
Molecular consequence: intron variant.
Genome position (GRCh38, 1-based): chr5:112,801,391, A>C. VCF-style: chr5-112801391-A-C. GRCh37 (hg19) VCF-style: chr5-112137088-A-C.
Other names: c.-202+8A>C (NM_001407470.1, NM_001407472.1, NM_001354906.2 and 1 more transcripts); c.834+8A>C (NM_001407447.1, NM_001354895.2, NM_001407456.1 and 12 more transcripts); c.750+8A>C (NM_001407452.1, NM_001407469.1, NM_001354899.2 and 1 more transcripts); c.864+8A>C (NM_001407446.1, NM_001354897.2, NM_001354902.2); c.780+8A>C (NM_001127511.3); c.657+8A>C (NM_001407453.1, NM_001354900.2, NM_001354901.2 and 1 more transcripts); c.759+8A>C (NM_001407451.1, NM_001354898.2, NM_001354904.2).
Identifiers: ClinVar variation 3148517 (VCV003148517.1), dbSNP rs2149712692, ClinGen allele CA2825001342.
Genomic context (GRCh38, chr5:112,801,391, plus strand): 5'-ATGAAGGTCAAGGAGTGGGAGAAATCAACATGGCAACTTCTGGTAATGGTCAGGTAAATA[A>C]ATTATTTTATCATATTTTTTAAAATTATTTAAATATCAGAAAAGTATGAAGCAAGATGGT-3'